The following is an entry in ClinVar:

ClinVar aggregate classification (germline): Uncertain significance (1 of 4 stars; one submission).

Conditions:
Hereditary nonpolyposis colorectal neoplasms. Identifiers: MedGen C0009405, MeSH D003123.

Submission:

Labcorp Genetics (formerly Invitae), Labcorp
Classification: Uncertain significance for Hereditary nonpolyposis colorectal neoplasms. Last evaluated: 2023-04-14. Review status: criteria provided, single submitter. Criteria: Invitae Variant Classification Sherloc (09022015). Collection method: clinical testing. Allele origin: germline.
Comment: In summary, the available evidence is currently insufficient to determine the role of this variant in disease. Therefore, it has been classified as a Variant of Uncertain Significance. Advanced modeling of protein sequence and biophysical properties (such as structural, functional, and spatial information, amino acid conservation, physicochemical variation, residue mobility, and thermodynamic stability) performed at Invitae indicates that this missense variant is not expected to disrupt PMS2 protein function. This variant has not been reported in the literature in individuals affected with PMS2-related conditions. This variant is not present in population databases (gnomAD no frequency). This sequence change replaces glycine, which is neutral and non-polar, with glutamic acid, which is acidic and polar, at codon 505 of the PMS2 protein (p.Gly505Glu).

NM_000535.7(PMS2):c.1514G>A (p.Gly505Glu)

Gene: PMS2 (PMS1 homolog 2, mismatch repair system component; minus strand). Cytogenetic location: 7p22.1.
Variant type: single nucleotide variant.
Coding change: c.1514G>A on transcript NM_000535.7 (MANE Select); coding-DNA position 1514, G replaced by A.
Protein change: p.Gly505Glu; replaces glycine 505 with glutamic acid.
Molecular consequence: missense variant. On other transcripts: non-coding transcript variant (1), intron variant (1).
Genome position (GRCh38, 1-based): chr7:5,987,251, C>T on the plus strand (G>A on the coding strand, the complement: PMS2 is on the minus strand). VCF-style: chr7-5987251-C-T. GRCh37 (hg19) VCF-style: chr7-6026882-C-T.
Other names: c.1109G>A, p.Gly370Glu (NM_001018040.1, NM_001322003.2, NM_001322004.2 and 17 more transcripts); c.1358G>A, p.Gly453Glu (NM_001322006.2, NM_001406870.1); c.1196G>A, p.Gly399Glu (NM_001322007.2, NM_001322008.2, NM_001406883.1 and 2 more transcripts); c.953G>A, p.Gly318Glu (NM_001322010.2, NM_001406906.1, NM_001406907.1); c.581G>A, p.Gly194Glu (NM_001322011.2, NM_001322012.2); c.941G>A, p.Gly314Glu (NM_001322013.2, NM_001406909.1); c.1514G>A, p.Gly505Glu (NM_001322014.2, NM_001406871.1, NM_001406872.1); c.1205G>A, p.Gly402Glu (NM_001322015.2, NM_001406880.1, NM_001406881.1 and 5 more transcripts); and 13 more; short protein forms G334E, G370E, G383E, G567E, G318E, G194E, G314E, G347E.
Identifiers: ClinVar variation 2848500 (VCV002848500.3), dbSNP rs1783066325, ClinGen allele CA366741714.